The following is an entry in ClinVar:

NM_145290.4(ADGRA3):c.2213G>A (p.Ser738Asn)

Gene: ADGRA3 (adhesion G protein-coupled receptor A3; minus strand). Cytogenetic location: 4p15.2.
Variant type: single nucleotide variant.
Coding change: c.2213G>A on transcript NM_145290.4 (MANE Select); coding-DNA position 2213, G replaced by A.
Protein change: p.Ser738Asn; replaces serine 738 with asparagine.
Molecular consequence: missense variant.
Genome position (GRCh38, 1-based): chr4:22,413,201, C>T on the plus strand (G>A on the coding strand, the complement: ADGRA3 is on the minus strand). VCF-style: chr4-22413201-C-T. GRCh37 (hg19) VCF-style: chr4-22414824-C-T.
Other names: short protein forms S738N.
Identifiers: ClinVar variation 2867246 (VCV002867246.3), dbSNP rs762715861, ClinGen allele CA356479368.

ClinVar aggregate classification (germline): Uncertain significance (1 of 4 stars; one submission).

Submission:

Labcorp Genetics (formerly Invitae), Labcorp
Classification: Uncertain significance. Last evaluated: 2023-05-22. Review status: criteria provided, single submitter. Criteria: Invitae Variant Classification Sherloc (09022015). Collection method: clinical testing. Allele origin: germline.
Comment: An algorithm developed to predict the effect of missense changes on protein structure and function (PolyPhen-2) suggests that this variant is likely to be tolerated. This sequence change replaces serine, which is neutral and polar, with asparagine, which is neutral and polar, at codon 738 of the ADGRA3 protein (p.Ser738Asn). This variant is not present in population databases (gnomAD no frequency). This variant has not been reported in the literature in individuals affected with ADGRA3-related conditions. In summary, the available evidence is currently insufficient to determine the role of this variant in disease. Therefore, it has been classified as a Variant of Uncertain Significance.